The following is an entry in ClinVar:

NM_014679.5(CEP57):c.1377C>T (p.Thr459=)

Gene: CEP57 (centrosomal protein 57; plus strand). Cytogenetic location: 11q21.
Variant type: single nucleotide variant.
Coding change: c.1377C>T on transcript NM_014679.5 (MANE Select); coding-DNA position 1377, C replaced by T.
Protein change: p.Thr459=; no amino-acid change (threonine 459 retained).
Molecular consequence: synonymous variant.
Genome position (GRCh38, 1-based): chr11:95,831,130, C>T. VCF-style: chr11-95831130-C-T. GRCh37 (hg19) VCF-style: chr11-95564294-C-T.
Other names: c.1350C>T, p.Thr450= (NM_001243776.2); c.1299C>T, p.Thr433= (NM_001243777.2); c.1296C>T, p.Thr432= (NM_001363604.2); c.1377C>T (NM_014679.4).
Identifiers: ClinVar variation 1086355 (VCV001086355.33), dbSNP rs144292940, ClinGen allele CA6239783.
Genomic context (GRCh38, chr11:95,831,130, plus strand): 5'-TACCAAAAAGACTCTTGATGAAGAAAGAAACAGCAGCAGCCGTTCTGGAATCACAGGGAC[C>T]ACAAATAAGAAAGATTTTATGAAACTGAGACCTGGAGAAAAAAGGAGAAAAAATCTTCAG-3'
Protein context (NP_055494.2, residues 449-469): NSSSRSGITG[Thr459=]TNKKDFMKLR

ClinVar aggregate classification (germline): Likely benign. Review status: criteria provided, multiple submitters, no conflicts (2 of 4 stars). 3 submissions from 3 submitters: Likely benign (3). Last evaluated 2025-12-30.

Conditions:
Mosaic variegated aneuploidy syndrome 2 (MVA2). Identifiers: Orphanet 1052, MedGen C3279843, MONDO:0013582, OMIM 614114.
Inborn genetic diseases. Identifiers: MedGen C0950123, MeSH D030342.

Allele frequency attached by ClinVar (database versions not stated): gnomAD 0.00001; ExAC 0.00002; gnomAD exomes 0.00002 and 0.00004; TOPMed 0.00006; ESP Exome Variant Server 0.00015.
gnomAD v4.1: 55 of 1,613,120 alleles (0.0034%); highest among the groups gnomAD compares: Non-Finnish European, 0.0044%; no homozygotes.

Submissions (3):

Labcorp Genetics (formerly Invitae), Labcorp
Classification: Likely benign for Mosaic variegated aneuploidy syndrome 2. Last evaluated: 2025-12-30. Review status: criteria provided, single submitter. Criteria: Invitae Variant Classification Sherloc (09022015). Collection method: clinical testing. Allele origin: germline.

Ambry Genetics
Classification: Likely benign for Inborn genetic diseases. Last evaluated: 2024-10-15. Review status: criteria provided, single submitter. Criteria: Ambry Variant Classification Scheme 2023. Collection method: clinical testing. Allele origin: germline.

CeGaT Center for Human Genetics Tuebingen
Classification: Likely benign. Last evaluated: 2023-03-01. Review status: criteria provided, single submitter. Criteria: CeGaT Center For Human Genetics Tuebingen Variant Classification Criteria Version 2. Collection method: clinical testing. Allele origin: germline. Affected: yes. Observed: 1 variant allele.
Comment: CEP57: BP4